The following is an entry in ClinVar:

NM_001394062.1(MACF1):c.4306C>A (p.Leu1436Ile)

Gene: MACF1 (microtubule actin crosslinking factor 1; plus strand). Cytogenetic location: 1p34.3.
Variant type: single nucleotide variant.
Coding change: c.4306C>A on transcript NM_001394062.1 (MANE Select); coding-DNA position 4306, C replaced by A.
Protein change: p.Leu1436Ile; replaces leucine 1436 with isoleucine.
Molecular consequence: missense variant.
Genome position (GRCh38, 1-based): chr1:39,324,262, C>A. VCF-style: chr1-39324262-C-A. GRCh37 (hg19) VCF-style: chr1-39789934-C-A.
Other names: c.4321C>A, p.Leu1441Ile (NM_012090.5); short protein forms L1436I, L1441I.
Identifiers: ClinVar variation 4881771 (VCV004881771.2).

ClinVar aggregate classification (germline): Uncertain significance (1 of 4 stars; one submission).

gnomAD v4.1: 4 of 1,613,644 alleles (0.00025%); highest among the groups gnomAD compares: African/African-American, 0.0053%; no homozygotes.

Submission:

Dasa
Classification: Uncertain significance. Last evaluated: 2026-03-20. Review status: criteria provided, single submitter. Criteria: DASA Assertion Criteria. Collection method: clinical testing. Allele origin: germline.
Comment: NM_001394062.1(MACF1):c.4306C>A (p.Leu1436Ile) is a missense variant that results in the substitution of leucine with isoleucine. This variant is rare in population databases. Computational prediction algorithms are consistent with a benign effect. The currently available literature and clinical evidence are not sufficient to establish a definitive association between this variant and the reported condition. Therefore, this variant is classified as a variant of uncertain significance.